The following is an entry in ClinVar:

NM_004385.5(VCAN):c.2713A>G (p.Lys905Glu)

Gene: VCAN (versican; plus strand). Cytogenetic location: 5q14.3.
Variant type: single nucleotide variant.
Coding change: c.2713A>G on transcript NM_004385.5 (MANE Select); coding-DNA position 2713, A replaced by G.
Protein change: p.Lys905Glu; replaces lysine 905 with glutamic acid.
Molecular consequence: missense variant. On other transcripts: intron variant (2).
Genome position (GRCh38, 1-based): chr5:83,521,019, A>G. VCF-style: chr5-83521019-A-G. GRCh37 (hg19) VCF-style: chr5-82816838-A-G.
Other names: c.2713A>G, p.Lys905Glu (NM_001164098.2); c.1042+8623A>G (NM_001164097.2, NM_001126336.3); short protein forms K905E.
Identifiers: ClinVar variation 2092775 (VCV002092775.5), dbSNP rs752396482, ClinGen allele CA3332882.
Genomic context (GRCh38, chr5:83,521,019, plus strand): 5'-CCAACTACATCAACTGGTATTGCAGAAAAGTCAACTTTGAGAGATTCTACAACTGAAGAA[A>G]AAGTTCCACCTATCACAAGCACTGAAGGCCAAGTTTATGCAACCATGGAAGGAAGTGCTT-3'
Protein context (NP_004376.2, residues 895-915): STLRDSTTEE[Lys905Glu]VPPITSTEGQ

ClinVar aggregate classification (germline): Uncertain significance. Review status: criteria provided, multiple submitters, no conflicts (2 of 4 stars). 2 submissions from 2 submitters: Uncertain significance (2). Last evaluated 2023-10-24.

Conditions:
Wagner disease. Also called: WAGNER SYNDROME 1; HYALOIDEORETINAL DEGENERATION OF WAGNER; WAGNER VITREORETINAL DEGENERATION; Wagner syndrome; WAGNER VITREORETINOPATHY; Wagner Vitreoretinal Degeneration (Wagner Synrdome). Identifiers: Orphanet 898, MedGen C1840452, MONDO:0007740, OMIM 143200.

Allele frequency attached by ClinVar (database versions not stated): gnomAD exomes below 0.00001; TOPMed below 0.00001; ExAC 0.00002.
gnomAD v4.1: 6 of 1,613,706 alleles (0.00037%); highest among the groups gnomAD compares: East Asian, 0.0089%; no homozygotes.

Submissions (2):

Labcorp Genetics (formerly Invitae), Labcorp
Classification: Uncertain significance. Last evaluated: 2023-10-24. Review status: criteria provided, single submitter. Criteria: Invitae Variant Classification Sherloc (09022015). Collection method: clinical testing. Allele origin: germline.
Comment: This sequence change replaces lysine, which is basic and polar, with glutamic acid, which is acidic and polar, at codon 905 of the VCAN protein (p.Lys905Glu). This variant is present in population databases (rs752396482, gnomAD 0.02%). This variant has not been reported in the literature in individuals affected with VCAN-related conditions. ClinVar contains an entry for this variant (Variation ID: 2092775). An algorithm developed to predict the effect of missense changes on protein structure and function (PolyPhen-2) suggests that this variant is likely to be tolerated. In summary, the available evidence is currently insufficient to determine the role of this variant in disease. Therefore, it has been classified as a Variant of Uncertain Significance.

Department of Pathology and Laboratory Medicine, Sinai Health System
Classification: Uncertain significance for Wagner disease. Last evaluated: 2022-10-26. Review status: criteria provided, single submitter. Criteria: ACMG Guidelines, 2015. Collection method: research. Allele origin: germline.